The following is an entry in ClinVar:

ClinVar aggregate classification (germline): not provided. Review status: no classification provided (0 of 4 stars). 3 submissions from 1 submitter: not provided (3).

Conditions:
Preeclampsia. Identifiers: Orphanet 275555, MedGen C0032914, MONDO:0005081, HP:0100602.
Normal pregnancy. Identifiers: MedGen C0232989.
Large for gestational age. Identifiers: MedGen C1848395, HP:0001520.

Submissions (3):

Institute of Molecular and Cell Biology, University of Tartu
No classification provided. Condition: Large for gestational age. Review status: no classification provided. Collection method: case-control. Allele origin: unknown. Affected: yes. Study: Kasak2014.
Comment: The study aimed to determine the contribution of copy number variants in the genetic etiology of normal and complicated pregnancies. The samples represented (i) maternal blood DNA drawn from healthy pregnant women during 1st or 2nd trimester and (ii) maternal and paternal blood DNA drawn at term pregnancy cases representing normal and complicated gestations (severe preeclampsia, PE; gestational diabetes, GD; small-for-gestational age newborn, SGA; large-for-gestational age newborn, LGA). We performed CNV calling based on genome-wide genotyping dataset (Illumina HumanOmniExpress-24-v1 BeadChip) by applying three algorithms, QuantiSNP, GADA (Genome Alteration Detection Algorithm) and CNstream in parallel. The acquired CNV calls were merged with HD-CNV (Hotspot Detector for Copy Number Variants) program and only the CNVs predicted by at least two programs, were considered in subsequent analysis.

Institute of Molecular and Cell Biology, University of Tartu
No classification provided. Condition: Preeclampsia. Review status: no classification provided. Collection method: case-control. Allele origin: unknown. Affected: yes. Study: Kasak2014.
Comment: the same text as in the submission from Institute of Molecular and Cell Biology, University of Tartu above.

Institute of Molecular and Cell Biology, University of Tartu
No classification provided. Condition: Normal pregnancy. Review status: no classification provided. Collection method: case-control. Allele origin: unknown. Affected: yes. Study: Kasak2014.
Comment: the same text as in the submission from Institute of Molecular and Cell Biology, University of Tartu above.

Literature cited by the submitters: PubMed 25666259.

NR_110592.1(LINC01238):n.972-495_131503del

Genes: LINC01237 (long intergenic non-protein coding RNA 1237; plus strand), LINC01238 (long intergenic non-protein coding RNA 1238; plus strand), LINC01880 (long intergenic non-protein coding RNA 1880; minus strand), LINC01881 (long intergenic non-protein coding RNA 1881; plus strand), LINC03100 (long intergenic non-protein coding RNA 3100; minus strand) and 3 more. Cytogenetic location: 2q37.3.
Variant type: Deletion.
Identifiers: ClinVar variation 156831 (VCV000156831.2).